The following is an entry in ClinVar:

ClinVar aggregate classification (germline): Conflicting classifications of pathogenicity. Review status: criteria provided, conflicting classifications (1 of 4 stars). 3 submissions from 3 submitters: Uncertain significance (2); Likely benign (1). Last evaluated 2024-05-28.

Conditions:
Hereditary nonpolyposis colorectal neoplasms. Identifiers: MedGen C0009405, MeSH D003123.
Hereditary cancer-predisposing syndrome. Also called: Hereditary Cancer Syndrome; Tumor predisposition; Hereditary neoplastic syndrome; Neoplastic Syndromes, Hereditary. Identifiers: Orphanet 140162, MedGen C0027672, MeSH D009386, MONDO:0015356.

Allele frequency attached by ClinVar (database versions not stated): gnomAD exomes below 0.00001; ExAC 0.00001.
gnomAD v4.1: 1 of 1,613,918 alleles (0.000062%); highest among the groups gnomAD compares: Non-Finnish European, 0.000085%; no homozygotes.

Submissions (3):

Labcorp Genetics (formerly Invitae), Labcorp
Classification: Uncertain significance for Hereditary nonpolyposis colorectal neoplasms. Last evaluated: 2024-05-28. Review status: criteria provided, single submitter. Criteria: Invitae Variant Classification Sherloc (09022015). Collection method: clinical testing. Allele origin: germline.
Comment: This sequence change replaces arginine, which is basic and polar, with glycine, which is neutral and non-polar, at codon 527 of the PMS2 protein (p.Arg527Gly). The frequency data for this variant in the population databases is considered unreliable, as metrics indicate poor data quality at this position in the gnomAD database. This variant has not been reported in the literature in individuals affected with PMS2-related conditions. ClinVar contains an entry for this variant (Variation ID: 645537). Advanced modeling of protein sequence and biophysical properties (such as structural, functional, and spatial information, amino acid conservation, physicochemical variation, residue mobility, and thermodynamic stability) performed at Invitae indicates that this missense variant is not expected to disrupt PMS2 protein function with a negative predictive value of 80%. In summary, the available evidence is currently insufficient to determine the role of this variant in disease. Therefore, it has been classified as a Variant of Uncertain Significance.

Ambry Genetics
Classification: Likely benign for Hereditary cancer-predisposing syndrome. Last evaluated: 2024-03-28. Review status: criteria provided, single submitter. Criteria: Ambry Variant Classification Scheme 2023. Collection method: clinical testing. Allele origin: germline.

GeneDx
Classification: Uncertain significance. Last evaluated: 2022-11-21. Review status: criteria provided, single submitter. Criteria: GeneDx Variant Classification Process June 2021. Collection method: clinical testing. Allele origin: germline. Affected: yes.
Comment: Not observed at significant frequency in large population cohorts (gnomAD); In silico analysis supports that this missense variant does not alter protein structure/function; Has not been previously published as pathogenic or benign to our knowledge

NM_000535.7(PMS2):c.1579A>G (p.Arg527Gly)

Gene: PMS2 (PMS1 homolog 2, mismatch repair system component; minus strand). Cytogenetic location: 7p22.1.
Variant type: single nucleotide variant.
Coding change: c.1579A>G on transcript NM_000535.7 (MANE Select); coding-DNA position 1579, A replaced by G.
Protein change: p.Arg527Gly; replaces arginine 527 with glycine.
Molecular consequence: missense variant. On other transcripts: non-coding transcript variant (1).
Genome position (GRCh38, 1-based): chr7:5,987,186, T>C on the plus strand (A>G on the coding strand, the complement: PMS2 is on the minus strand). VCF-style: chr7-5987186-T-C. GRCh37 (hg19) VCF-style: chr7-6026817-T-C.
Other names: c.1174A>G, p.Arg392Gly (NM_001322003.2, NM_001322004.2, NM_001322005.2 and 1 more transcripts); c.1423A>G, p.Arg475Gly (NM_001322006.2); c.1261A>G, p.Arg421Gly (NM_001322007.2, NM_001322008.2); c.1018A>G, p.Arg340Gly (NM_001322010.2); c.646A>G, p.Arg216Gly (NM_001322011.2, NM_001322012.2); c.1006A>G, p.Arg336Gly (NM_001322013.2); c.1579A>G, p.Arg527Gly (NM_001322014.2); c.1270A>G, p.Arg424Gly (NM_001322015.2); short protein forms R392G, R475G, R216G, R421G, R340G, R424G, R336G, R527G.
Identifiers: ClinVar variation 645537 (VCV000645537.8), dbSNP rs756823316, ClinGen allele CA044508.